The following is an entry in ClinVar:

NM_000548.5(TSC2):c.4607A>G (p.Gln1536Arg)

Gene: TSC2 (TSC complex subunit 2; plus strand). Cytogenetic location: 16p13.3.
Variant type: single nucleotide variant.
Coding change: c.4607A>G on transcript NM_000548.5 (MANE Select); coding-DNA position 4607, A replaced by G.
Protein change: p.Gln1536Arg; replaces glutamine 1536 with arginine.
Molecular consequence: missense variant.
Genome position (GRCh38, 1-based): chr16:2,085,267, A>G. VCF-style: chr16-2085267-A-G. GRCh37 (hg19) VCF-style: chr16-2135268-A-G.
Other names: c.4406A>G, p.Gln1469Arg (NM_001077183.3); c.4538A>G, p.Gln1513Arg (NM_001114382.3); c.4298A>G, p.Gln1433Arg (NM_001318827.2); c.4262A>G, p.Gln1421Arg (NM_001318829.2); c.3875A>G, p.Gln1292Arg (NM_001318831.2); c.4439A>G, p.Gln1480Arg (NM_001318832.2); c.4409A>G, p.Gln1470Arg (NM_001363528.2); c.4475A>G, p.Gln1492Arg (NM_001370404.1); and 1 more; short protein forms Q1480R, Q1536R, Q1292R, Q1421R, Q1470R, Q1493R, Q1513R, Q1433R.
Identifiers: ClinVar variation 1400703 (VCV001400703.8), dbSNP rs2151551661, ClinGen allele CA394304672.
Genomic context (GRCh38, chr16:2,085,267, plus strand): 5'-AGGCAGGGCTCTGTGTGCCACAGTCACAGTCCTTTGAGCGGTCGGTGCAGCTCCTCGACC[A>G]GATCCCATCATACGACACCCACAAGATCGCCGTCCTGTATGTTGGAGAAGGCCAGGTGAG-3'
Protein context (NP_000539.2, residues 1526-1546): SFERSVQLLD[Gln1536Arg]IPSYDTHKIA

ClinVar aggregate classification (germline): Uncertain significance (1 of 4 stars; one submission).

Conditions:
Tuberous sclerosis 2 (TSC2). Identifiers: Orphanet 805, MedGen C1860707, MONDO:0013199, OMIM 613254.

Submission:

Labcorp Genetics (formerly Invitae), Labcorp
Classification: Uncertain significance for Tuberous sclerosis 2. Last evaluated: 2025-09-24. Review status: criteria provided, single submitter. Criteria: Invitae Variant Classification Sherloc (09022015). Collection method: clinical testing. Allele origin: germline.
Comment: This sequence change replaces glutamine, which is neutral and polar, with arginine, which is basic and polar, at codon 1536 of the TSC2 protein (p.Gln1536Arg). This variant is not present in population databases (gnomAD no frequency). This variant has not been reported in the literature in individuals affected with TSC2-related conditions. ClinVar contains an entry for this variant (Variation ID: 1400703). Invitae Evidence Modeling of protein sequence and biophysical properties (such as structural, functional, and spatial information, amino acid conservation, physicochemical variation, residue mobility, and thermodynamic stability) indicates that this missense variant is not expected to disrupt TSC2 protein function with a negative predictive value of 95%. In summary, the available evidence is currently insufficient to determine the role of this variant in disease. Therefore, it has been classified as a Variant of Uncertain Significance.